The following is an entry in ClinVar:

ClinVar aggregate classification (germline): Benign/Likely benign. Review status: criteria provided, multiple submitters, no conflicts (2 of 4 stars). 4 submissions from 4 submitters: Benign (3); Likely benign (1). Last evaluated 2025-12-19.

Conditions:
Early-infantile DEE. Also called: Early infantile epileptic encephalopathy; Ohtahara syndrome; Early infantile epileptic encephalopathy with suppression bursts. Identifiers: Orphanet 1934, MedGen C0393706, MONDO:0800491.
Inborn genetic diseases. Identifiers: MedGen C0950123, MeSH D030342.
Developmental and epileptic encephalopathy, 5 (DEE5). Identifiers: Orphanet 3451, MedGen C3150731, MONDO:0013277, OMIM 613477.

Allele frequency attached by ClinVar (database versions not stated): gnomAD exomes 0.00006 and 0.00018; ExAC 0.00017; ESP Exome Variant Server 0.00054; gnomAD 0.00060 and 0.00061; TOPMed 0.00075; 1000 Genomes Project 0.00120; 1000 Genomes Project 30x 0.00141.
gnomAD v4.1: 183 of 1,614,048 alleles (0.011%); highest among the groups gnomAD compares: African/African-American, 0.18%; 1 homozygote.

Submissions (4):

Labcorp Genetics (formerly Invitae), Labcorp
Classification: Benign for Early-infantile DEE. Last evaluated: 2025-12-19. Review status: criteria provided, single submitter. Criteria: Invitae Variant Classification Sherloc (09022015). Collection method: clinical testing. Allele origin: germline.

Genome-Nilou Lab
Classification: Benign for Developmental and epileptic encephalopathy, 5. Last evaluated: 2021-07-15. Review status: criteria provided, single submitter. Criteria: ACMG Guidelines, 2015. Collection method: clinical testing. Allele origin: germline. Affected: no.

Ambry Genetics
Classification: Likely benign for Inborn genetic diseases. Last evaluated: 2017-11-02. Review status: criteria provided, single submitter. Criteria: Ambry Variant Classification Scheme 2023. Collection method: clinical testing. Allele origin: germline.

GeneDx
Classification: Benign. Last evaluated: 2014-02-24. Review status: criteria provided, single submitter. Criteria: GeneDx Variant Classification (06012015). Collection method: clinical testing. Allele origin: germline. Affected: yes.
Comment: This variant is considered likely benign or benign based on one or more of the following criteria: it is a conservative change, it occurs at a poorly conserved position in the protein, it is predicted to be benign by multiple in silico algorithms, and/or has population frequency not consistent with disease.

NM_001130438.3(SPTAN1):c.5790C>T (p.Arg1930=)

Gene: SPTAN1 (spectrin alpha, non-erythrocytic 1; plus strand). Cytogenetic location: 9q34.11.
Variant type: single nucleotide variant.
Coding change: c.5790C>T on transcript NM_001130438.3 (MANE Select); coding-DNA position 5790, C replaced by T.
Protein change: p.Arg1930=; no amino-acid change (arginine 1930 retained).
Molecular consequence: synonymous variant.
Genome position (GRCh38, 1-based): chr9:128,621,214, C>T. VCF-style: chr9-128621214-C-T. GRCh37 (hg19) VCF-style: chr9-131383493-C-T.
Other names: p.R1930R:CGC>CGT; c.5715C>T, p.Arg1905= (NM_001195532.2); c.5790C>T, p.Arg1930= (NM_001363759.2); c.5730C>T, p.Arg1910= (NM_001363765.2); c.5775C>T, p.Arg1925= (NM_003127.4).
Identifiers: ClinVar variation 139304 (VCV000139304.19), dbSNP rs144435438, ClinGen allele CA293747.